The following is an entry in ClinVar:

NM_015662.3(IFT172):c.1571A>G (p.Asn524Ser)

Gene: IFT172 (intraflagellar transport 172; minus strand). Cytogenetic location: 2p23.3.
Variant type: single nucleotide variant.
Coding change: c.1571A>G on transcript NM_015662.3 (MANE Select); coding-DNA position 1571, A replaced by G.
Protein change: p.Asn524Ser; replaces asparagine 524 with serine.
Molecular consequence: missense variant.
Genome position (GRCh38, 1-based): chr2:27,471,049, T>C on the plus strand (A>G on the coding strand, the complement: IFT172 is on the minus strand). VCF-style: chr2-27471049-T-C. GRCh37 (hg19) VCF-style: chr2-27693916-T-C.
Other names: short protein forms N524S.
Identifiers: ClinVar variation 1927144 (VCV001927144.5), dbSNP rs1194191840, ClinGen allele CA346390412.

ClinVar aggregate classification (germline): Uncertain significance (1 of 4 stars; one submission).

Conditions:
Short-rib thoracic dysplasia 10 with or without polydactyly (SRTD10). Identifiers: Orphanet 474, MedGen C3810175, MONDO:0014284, OMIM 615630.
Retinitis pigmentosa 71 (RP71). Identifiers: Orphanet 791, MedGen C4225342, MONDO:0014618, OMIM 616394.

Allele frequency attached by ClinVar (database versions not stated): gnomAD exomes below 0.00001.
gnomAD v4.1: 2 of 1,612,320 alleles (0.00012%); highest among the groups gnomAD compares: Admixed American, 0.0017%; no homozygotes.

Submission:

Labcorp Genetics (formerly Invitae), Labcorp
Classification: Uncertain significance for Retinitis pigmentosa 71; Short-rib thoracic dysplasia 10 with or without polydactyly. Last evaluated: 2022-06-14. Review status: criteria provided, single submitter. Criteria: Invitae Variant Classification Sherloc (09022015). Collection method: clinical testing. Allele origin: germline.
Comment: This sequence change replaces asparagine, which is neutral and polar, with serine, which is neutral and polar, at codon 524 of the IFT172 protein (p.Asn524Ser). This variant is present in population databases (no rsID available, gnomAD 0.003%). This variant has not been reported in the literature in individuals affected with IFT172-related conditions. Algorithms developed to predict the effect of missense changes on protein structure and function (SIFT, PolyPhen-2, Align-GVGD) all suggest that this variant is likely to be tolerated. In summary, the available evidence is currently insufficient to determine the role of this variant in disease. Therefore, it has been classified as a Variant of Uncertain Significance.